The following is an entry in ClinVar:

NM_020806.5(GPHN):c.704_705del (p.Ile235fs)

Gene: GPHN (gephyrin; plus strand). Cytogenetic location: 14q23.3.
Variant type: Microsatellite.
Coding change: c.704_705del on transcript NM_020806.5 (MANE Select); coding-DNA positions 704 to 705, 2 bases deleted (TA; older notation c.704_705delTA).
Protein change: p.Ile235fs; shifts the reading frame from isoleucine 235.
Molecular consequence: frameshift variant.
Genome position (GRCh38, 1-based): chr14:66,922,913-66,922,914, TA deleted; deleting any 2 consecutive bases within chr14:66,922,910-66,922,914 gives the same sequence; the c. name uses the placement nearest the transcript's 3' end. VCF-style (leftmost placement, unchanged base first): chr14-66922909-CAT-C. GRCh37 (hg19) VCF-style: chr14-67389626-CAT-C.
Other names: c.704_705del, p.Ile235fs (NM_001024218.2, NM_001377515.1, NM_001377516.1 and 2 more transcripts); c.743_744del, p.Ile248fs (NM_001377514.1, NM_001377519.1); short protein forms I248fs, I235fs.
Identifiers: ClinVar variation 2766610 (VCV002766610.3), dbSNP rs2549615601, ClinGen allele CA2697553974.

ClinVar aggregate classification (germline): Pathogenic (1 of 4 stars; one submission).

Conditions:
Sulfite oxidase deficiency due to molybdenum cofactor deficiency type C. Also called: Molybdenum cofactor deficiency, complementation group C; Molybdenum cofactor deficiency C. Identifiers: Orphanet 308400, Orphanet 833, MedGen C1854990, MONDO:0014212, OMIM 615501.

Submission:

Labcorp Genetics (formerly Invitae), Labcorp
Classification: Pathogenic for Sulfite oxidase deficiency due to molybdenum cofactor deficiency type C. Last evaluated: 2023-11-01. Review status: criteria provided, single submitter. Criteria: Invitae Variant Classification Sherloc (09022015). Collection method: clinical testing. Allele origin: germline.
Comment: This sequence change creates a premature translational stop signal (p.Ile235Asnfs*24) in the GPHN gene. It is expected to result in an absent or disrupted protein product. Loss-of-function variants in GPHN are known to be pathogenic (PMID: 11095995, 23184456, 23393157, 24561070, 26613940). This variant is not present in population databases (gnomAD no frequency). This variant has not been reported in the literature in individuals affected with GPHN-related conditions. For these reasons, this variant has been classified as Pathogenic.

Literature cited by the submitters: PubMed 11095995; PubMed 23184456; PubMed 23393157; PubMed 24561070; PubMed 26613940.